The following is an entry in ClinVar:

ClinVar aggregate classification (germline): Likely benign (1 of 4 stars; one submission).

Submission:

CeGaT Center for Human Genetics Tuebingen
Classification: Likely benign. Last evaluated: 2026-05-01. Review status: criteria provided, single submitter. Criteria: CeGaT Center For Human Genetics Tuebingen Variant Classification Criteria Version 2. Collection method: clinical testing. Allele origin: germline. Affected: yes. Observed: 10 variant alleles.
Comment: C6orf15: BP4, BP7

NM_014070.3(C6orf15):c.786A>G (p.Gly262=)

Gene: C6orf15 (chromosome 6 open reading frame 15; minus strand). Cytogenetic location: 6p21.33.
Variant type: single nucleotide variant.
Coding change: c.786A>G on transcript NM_014070.3 (MANE Select); coding-DNA position 786, A replaced by G.
Protein change: p.Gly262=; no amino-acid change (glycine 262 retained).
Molecular consequence: synonymous variant.
Genome position (GRCh38, 1-based): chr6:31,111,573, T>C on the plus strand (A>G on the coding strand, the complement: C6orf15 is on the minus strand). VCF-style: chr6-31111573-T-C. GRCh37 (hg19) VCF-style: chr6-31079350-T-C.
Identifiers: ClinVar variation 2656388 (VCV002656388.24), dbSNP rs146335336, ClinGen allele CA136798283.
Genomic context (GRCh38, chr6:31,111,573, plus strand): 5'-GCTGCCTCCTGGATACCGATTAATATTCCCCCAGCTGCCTCCTGGATACCGATTAATATT[T>C]CCCCAGCTGCCTCCTGGATACCGATTAATATTTCCCCAGCTGGTACCTGGGGGTTGATTA-3'
Protein context (NP_054789.2, residues 252-272): NINRYPGGSW[Gly262=]NINRYPGGSW